The following is an entry in ClinVar:

ClinVar aggregate classification (germline): Likely benign (1 of 4 stars; one submission).

Conditions:
GALE-related disorder. Also called: GALE-related condition.

gnomAD v4.1: 5 of 1,613,796 alleles (0.00031%); highest among the groups gnomAD compares: African/African-American, 0.0053%; no homozygotes.

Submission:

PreventionGenetics, part of Exact Sciences
Classification: Likely benign for GALE-related condition. Last evaluated: 2026-04-21. Review status: criteria provided, single submitter. Criteria: ACMG Guidelines, 2015. Collection method: clinical testing. Allele origin: germline.
Comment: This variant is classified as likely benign based on ACMG/AMP sequence variant interpretation guidelines (Richards et al. 2015 PMID: 25741868, with internal and published modifications).

NM_001008216.2(GALE):c.330C>G (p.Thr110=)

Gene: GALE (UDP-galactose-4-epimerase; minus strand). Cytogenetic location: 1p36.11.
Variant type: single nucleotide variant.
Coding change: c.330C>G on transcript NM_001008216.2 (MANE Select); coding-DNA position 330, C replaced by G.
Protein change: p.Thr110=; no amino-acid change (threonine 110 retained).
Molecular consequence: synonymous variant.
Genome position (GRCh38, 1-based): chr1:23,798,138, G>C on the plus strand (C>G on the coding strand, the complement: GALE is on the minus strand). VCF-style: chr1-23798138-G-C. GRCh37 (hg19) VCF-style: chr1-24124628-G-C.
Other names: c.330C>G, p.Thr110= (NM_000403.4, NM_001127621.2).
Identifiers: ClinVar variation 4989201 (VCV004989201.1).
Genomic context (GRCh38, chr1:23,798,138, plus strand): 5'-CACCCTCCTAGTGTCTGTGCCCTGTCCCATGCCTCTCACCTCCAGAAGCTGGATGGTCCC[G>C]GTCAGGTTAACTCTGTAATAATCCAGAGGCTTCTGCACCGACTCGCCCACGGCCTTGAGC-3'
Protein context (NP_001008217.1, residues 100-120): KPLDYYRVNL[Thr110=]GTIQLLEIMK